The following is an entry in ClinVar:

NM_018557.3(LRP1B):c.909C>T (p.Val303=)

Gene: LRP1B (LDL receptor related protein 1B; minus strand). Cytogenetic location: 2q22.1.
Variant type: single nucleotide variant.
Coding change: c.909C>T on transcript NM_018557.3 (MANE Select); coding-DNA position 909, C replaced by T.
Protein change: p.Val303=; no amino-acid change (valine 303 retained).
Molecular consequence: synonymous variant.
Genome position (GRCh38, 1-based): chr2:141,188,525, G>A on the plus strand (C>T on the coding strand, the complement: LRP1B is on the minus strand). VCF-style: chr2-141188525-G-A. GRCh37 (hg19) VCF-style: chr2-141946094-G-A.
Identifiers: ClinVar variation 713193 (VCV000713193.7), dbSNP rs147017724, ClinGen allele CA1896151.
Genomic context (GRCh38, chr2:141,188,525, plus strand): 5'-CAGATCAATCAGGGTGACACATACAGAACCGTTGGAATTACAAACAAAGATCCGGTCACC[G>A]ACATGGTCCACAAAATAGAGATTTCGAGTGAGCCAGTCAATCGCCATTTGTTGCACATCT-3'
Protein context (NP_061027.2, residues 293-313): LTRNLYFVDH[Val303=]GDRIFVCNSN

ClinVar aggregate classification (germline): Benign. Review status: criteria provided, multiple submitters, no conflicts (2 of 4 stars). 3 submissions from 3 submitters: Benign (2). 1 of the submissions does not count toward it. Last evaluated 2019-12-31.

Conditions:
LRP1B-related disorder. Also called: LRP1B-related condition.

Allele frequency attached by ClinVar (database versions not stated): gnomAD 0.00134; TOPMed 0.00154; 1000 Genomes Project 30x 0.00671; gnomAD exomes 0.00206; ESP Exome Variant Server 0.00023; ExAC 0.00180; 1000 Genomes Project 0.00679.
gnomAD v4.1: 1,160 of 1,612,710 alleles (0.072%); highest among the groups gnomAD compares: East Asian, 1.7%; 19 homozygotes.

Submissions (3):

Labcorp Genetics (formerly Invitae), Labcorp
Classification: Benign. Last evaluated: 2019-12-31. Review status: criteria provided, single submitter. Criteria: Invitae Variant Classification Sherloc (09022015). Collection method: clinical testing. Allele origin: germline.

Breakthrough Genomics
Classification: Benign. Review status: criteria provided, single submitter. Criteria: ACMG Guidelines, 2015. Collection method: not provided. Allele origin: germline. Inheritance: Unknown mechanism. Affected: yes.

PreventionGenetics, part of Exact Sciences
Classification: Benign for LRP1B-related condition. Last evaluated: 2019-02-20. Review status: no assertion criteria provided. Collection method: clinical testing. Allele origin: germline. Not counted in ClinVar's aggregate classification.
Comment: This variant is classified as benign based on ACMG/AMP sequence variant interpretation guidelines (Richards et al. 2015 PMID: 25741868, with internal and published modifications).